The following is an entry in ClinVar:

NM_004064.5(CDKN1B):c.130G>C (p.Asp44His)

Gene: CDKN1B (cyclin dependent kinase inhibitor 1B; plus strand). Cytogenetic location: 12p13.1.
Variant type: single nucleotide variant.
Coding change: c.130G>C on transcript NM_004064.5 (MANE Select); coding-DNA position 130, G replaced by C.
Protein change: p.Asp44His; replaces aspartic acid 44 with histidine.
Molecular consequence: missense variant.
Genome position (GRCh38, 1-based): chr12:12,717,969, G>C. VCF-style: chr12-12717969-G-C. GRCh37 (hg19) VCF-style: chr12-12870903-G-C.
Other names: c.130G>C (NM_004064.3); short protein forms D44H.
Identifiers: ClinVar variation 1436518 (VCV001436518.9), dbSNP rs2136355606, ClinGen allele CA383968845.
Genomic context (GRCh38, chr12:12,717,969, plus strand): 5'-CCCAAGCCCTCGGCCTGCAGGAACCTCTTCGGCCCGGTGGACCACGAAGAGTTAACCCGG[G>C]ACTTGGAGAAGCACTGCAGAGACATGGAAGAGGCGAGCCAGCGCAAGTGGAATTTCGATT-3'
Protein context (NP_004055.1, residues 34-54): GPVDHEELTR[Asp44His]LEKHCRDMEE

ClinVar aggregate classification (germline): Uncertain significance. Review status: criteria provided, multiple submitters, no conflicts (2 of 4 stars). 2 submissions from 2 submitters: Uncertain significance (2). Last evaluated 2024-11-08.

Conditions:
Hereditary cancer-predisposing syndrome. Also called: Neoplastic Syndromes, Hereditary; Hereditary Cancer Syndrome; Tumor predisposition; Hereditary neoplastic syndrome. Identifiers: Orphanet 140162, MedGen C0027672, MeSH D009386, MONDO:0015356.
Multiple endocrine neoplasia type 4. Also called: MULTIPLE ENDOCRINE NEOPLASIA, TYPE IV. Identifiers: Orphanet 276152, MedGen C1970712, MONDO:0012552, OMIM 610755.

Submissions (2):

Ambry Genetics
Classification: Uncertain significance for Hereditary cancer-predisposing syndrome. Last evaluated: 2024-11-08. Review status: criteria provided, single submitter. Criteria: Ambry Variant Classification Scheme 2023. Collection method: clinical testing. Allele origin: germline.
Comment: The p.D44H variant (also known as c.130G>C), located in coding exon 1 of the CDKN1B gene, results from a G to C substitution at nucleotide position 130. The aspartic acid at codon 44 is replaced by histidine, an amino acid with similar properties. This amino acid position is conserved. In addition, the in silico prediction for this alteration is inconclusive. Based on the available evidence, the clinical significance of this variant remains unclear.

Labcorp Genetics (formerly Invitae), Labcorp
Classification: Uncertain significance for Multiple endocrine neoplasia type 4. Last evaluated: 2024-05-02. Review status: criteria provided, single submitter. Criteria: Invitae Variant Classification Sherloc (09022015). Collection method: clinical testing. Allele origin: germline.
Comment: This sequence change replaces aspartic acid, which is acidic and polar, with histidine, which is basic and polar, at codon 44 of the CDKN1B protein (p.Asp44His). This variant is not present in population databases (gnomAD no frequency). This variant has not been reported in the literature in individuals affected with CDKN1B-related conditions. ClinVar contains an entry for this variant (Variation ID: 1436518). An algorithm developed to predict the effect of missense changes on protein structure and function (PolyPhen-2) suggests that this variant is likely to be disruptive. In summary, the available evidence is currently insufficient to determine the role of this variant in disease. Therefore, it has been classified as a Variant of Uncertain Significance.